The following is an entry in ClinVar:

ClinVar aggregate classification (germline): Pathogenic (1 of 4 stars; one submission).

Conditions:
Ehlers-Danlos syndrome, dermatosparaxis type. Also called: EDS VIIC; Dermatosparaxis; Ehlers-Danlos syndrome, type VII, autosomal recessive. Identifiers: Orphanet 1901, MedGen C2700425, MONDO:0009161, OMIM 225410.

Submission:

Myriad Genetics, Inc.
Classification: Pathogenic for Ehlers-Danlos syndrome, dermatosparaxis type. Last evaluated: 2024-05-14. Review status: criteria provided, single submitter. Criteria: Myriad Autosomal Dominant, Autosomal Recessive and X-Linked Classification Criteria (2023). Collection method: clinical testing. Allele origin: unknown.
Comment: NM_014244.4(ADAMTS2):c.70_73delCCGCinsGT(P24Vfs*41) is expected to be pathogenic in the context of Ehlers-Danlos syndrome, ADAMTS2-related. This variant is predicted to lead to an abnormal or absent protein product due to the creation of a premature termination codon in ADAMTS2, a gene where loss-of-function variants are known to be pathogenic. Please note: this variant was assessed in the context of healthy population screening.

NM_014244.5(ADAMTS2):c.70_73delinsGT (p.Pro24fs)

Gene: ADAMTS2 (ADAM metallopeptidase with thrombospondin type 1 motif 2; minus strand). Cytogenetic location: 5q35.3.
Variant type: Indel.
Coding change: c.70_73delinsGT on transcript NM_014244.5 (MANE Select); coding-DNA positions 70 to 73, CCGC replaced by GT.
Protein change: p.Pro24fs; shifts the reading frame from proline 24.
Molecular consequence: frameshift variant.
Genome position (GRCh38, 1-based): chr5:179,345,256-179,345,259, GCGG replaced by AC on the plus strand (CCGC replaced by GT on the coding strand, the reverse complement: ADAMTS2 is on the minus strand). VCF-style: chr5-179345256-GCGG-AC. GRCh37 (hg19) VCF-style: chr5-178772257-GCGG-AC.
Other names: c.70_73delinsGT, p.Pro24fs (NM_021599.4); short protein forms P24fs.
Identifiers: ClinVar variation 5016382 (VCV005016382.1).